The following is an entry in ClinVar:

NM_001365999.1(SZT2):c.5801C>T (p.Ala1934Val)

Gene: SZT2 (SZT2 subunit of KICSTOR complex; plus strand). Cytogenetic location: 1p34.2.
Variant type: single nucleotide variant.
Coding change: c.5801C>T on transcript NM_001365999.1 (MANE Select); coding-DNA position 5801, C replaced by T.
Protein change: p.Ala1934Val; replaces alanine 1934 with valine.
Molecular consequence: missense variant.
Genome position (GRCh38, 1-based): chr1:43,433,187, C>T. VCF-style: chr1-43433187-C-T. GRCh37 (hg19) VCF-style: chr1-43898858-C-T.
Other names: c.5630C>T, p.Ala1877Val (NM_015284.4); short protein forms A1877V, A1934V.
Identifiers: ClinVar variation 957213 (VCV000957213.9), dbSNP rs1245148074, ClinGen allele CA340026533.

ClinVar aggregate classification (germline): Uncertain significance (1 of 4 stars; one submission).

gnomAD v4.1: 1 of 1,613,268 alleles (0.000062%); highest among the groups gnomAD compares: Non-Finnish European, 0.000085%; no homozygotes.

Submission:

Labcorp Genetics (formerly Invitae), Labcorp
Classification: Uncertain significance. Last evaluated: 2019-10-02. Review status: criteria provided, single submitter. Criteria: Invitae Variant Classification Sherloc (09022015). Collection method: clinical testing. Allele origin: germline.
Comment: In summary, the available evidence is currently insufficient to determine the role of this variant in disease. Therefore, it has been classified as a Variant of Uncertain Significance. Algorithms developed to predict the effect of sequence changes on RNA splicing suggest that this variant may create or strengthen a splice site, but this prediction has not been confirmed by published transcriptional studies. Algorithms developed to predict the effect of missense changes on protein structure and function are either unavailable or do not agree on the potential impact of this missense change (SIFT: "Tolerated"; PolyPhen-2: "Possibly Damaging"; Align-GVGD: "Class C0"). This variant has not been reported in the literature in individuals with SZT2-related conditions. This variant is not present in population databases (ExAC no frequency). This sequence change replaces alanine with valine at codon 1877 of the SZT2 protein (p.Ala1877Val). The alanine residue is highly conserved and there is a small physicochemical difference between alanine and valine.